The following is an entry in ClinVar:

NM_002661.5(PLCG2):c.1411A>C (p.Lys471Gln)

Gene: PLCG2 (phospholipase C gamma 2; plus strand). Cytogenetic location: 16q23.3.
Variant type: single nucleotide variant.
Coding change: c.1411A>C on transcript NM_002661.5 (MANE Select); coding-DNA position 1411, A replaced by C.
Protein change: p.Lys471Gln; replaces lysine 471 with glutamine.
Molecular consequence: missense variant.
Genome position (GRCh38, 1-based): chr16:81,905,451, A>C. VCF-style: chr16-81905451-A-C. GRCh37 (hg19) VCF-style: chr16-81939056-A-C.
Other names: short protein forms K471Q.
Identifiers: ClinVar variation 658788 (VCV000658788.10), dbSNP rs1250133694, ClinGen allele CA396899680.

ClinVar aggregate classification (germline): Uncertain significance (1 of 4 stars; one submission).

Conditions:
Familial cold autoinflammatory syndrome 3 (FCAS3). Also called: FAMILIAL ATYPICAL COLD URTICARIA; ANTIBODY DEFICIENCY AND IMMUNE DYSREGULATION, PLCG2-ASSOCIATED. Identifiers: Orphanet 300359, MedGen C3280914, MONDO:0013766, OMIM 614468.

Allele frequency attached by ClinVar (database versions not stated): gnomAD exomes below 0.00001; gnomAD 0.00001 and 0.00002; TOPMed 0.00001.
gnomAD v4.1: 8 of 1,614,196 alleles (0.0005%); highest among the groups gnomAD compares: Middle Eastern, 0.016%; no homozygotes.

Submission:

Labcorp Genetics (formerly Invitae), Labcorp
Classification: Uncertain significance for Familial cold autoinflammatory syndrome 3. Last evaluated: 2025-02-17. Review status: criteria provided, single submitter. Criteria: Invitae Variant Classification Sherloc (09022015). Collection method: clinical testing. Allele origin: germline.
Comment: This sequence change replaces lysine, which is basic and polar, with glutamine, which is neutral and polar, at codon 471 of the PLCG2 protein (p.Lys471Gln). This variant is present in population databases (no rsID available, gnomAD 0.007%). This variant has not been reported in the literature in individuals affected with PLCG2-related conditions. ClinVar contains an entry for this variant (Variation ID: 658788). An algorithm developed to predict the effect of missense changes on protein structure and function (PolyPhen-2) suggests that this variant is likely to be tolerated. In summary, the available evidence is currently insufficient to determine the role of this variant in disease. Therefore, it has been classified as a Variant of Uncertain Significance.